The following is an entry in ClinVar:

ClinVar aggregate classification (germline): Uncertain significance. Review status: criteria provided, multiple submitters, no conflicts (2 of 4 stars). 2 submissions from 2 submitters: Uncertain significance (2). Last evaluated 2020-07-30.

Conditions:
Myopathy, myofibrillar, 9, with early respiratory failure (MFM9). Also called: EDSTROM MYOPATHY; MYOPATHY, PROXIMAL, WITH EARLY RESPIRATORY MUSCLE INVOLVEMENT; Myopathy, distal, with early respiratory failure, autosomal dominant; Hereditary myopathy with early respiratory failure. Identifiers: Orphanet 178464, Orphanet 34521, MedGen C1863599, MONDO:0011362, OMIM 603689.
Early-onset myopathy with fatal cardiomyopathy (CMYO5). Also called: CONGENITAL MYOPATHY 5 WITH CARDIOMYOPATHY; Salih Myopathy. Identifiers: Orphanet 289377, MedGen C2673677, MONDO:0012714, OMIM 611705. Disease mechanism: loss of function.
Hypertrophic cardiomyopathy 9. Also called: Familial hypertrophic cardiomyopathy 9. Identifiers: MedGen C1861065, MONDO:0013412, OMIM 613765.
Dilated cardiomyopathy 1G (CMD1G). Identifiers: Orphanet 154, MedGen C1858763, MONDO:0011400, OMIM 604145.
Tibial muscular dystrophy (TMD). Also called: UDD MYOPATHY; Tibial muscular dystrophy, tardive; Udd Distal Myopathy – Tibial Muscular Dystrophy. Identifiers: Orphanet 609, MedGen C1838244, MONDO:0010870, OMIM 600334.
Autosomal recessive limb-girdle muscular dystrophy type 2J (LGMDR10). Also called: MUSCULAR DYSTROPHY, LIMB-GIRDLE, AUTOSOMAL RECESSIVE 10; Limb-girdle muscular dystrophy, type 2J. Identifiers: Orphanet 140922, MedGen C1837342, MONDO:0012127, OMIM 608807.

Allele frequency attached by ClinVar (database versions not stated): gnomAD 0.00001 and 0.00002; gnomAD exomes 0.00001 and 0.00005; TOPMed 0.00002; ExAC 0.00006; 1000 Genomes Project 0.00040; 1000 Genomes Project 30x 0.00047.
gnomAD v4.1: 22 of 1,613,690 alleles (0.0014%); highest among the groups gnomAD compares: East Asian, 0.029%; no homozygotes.

Submissions (2):

Department of Pathology and Laboratory Medicine, Sinai Health System
Classification: Uncertain significance for Tibial muscular dystrophy; Myopathy, myofibrillar, 9, with early respiratory failure; Dilated cardiomyopathy 1G; Autosomal recessive limb-girdle muscular dystrophy type 2J; Early-onset myopathy with fatal cardiomyopathy; Hypertrophic cardiomyopathy 9. Last evaluated: 2020-07-30. Review status: criteria provided, single submitter. Criteria: ACMG Guidelines, 2015. Collection method: research. Allele origin: germline.

Biesecker Lab/Clinical Genomics Section, National Institutes of Health
Classification: Uncertain significance. Last evaluated: 2013-06-24. Review status: criteria provided, single submitter. Criteria: Ng et al. (Circ Cardiovasc Genet. 2013). Collection method: research. Allele origin: unknown. Observed: 1 variant allele. Study: ClinSeq.
Comment: The study set was not selected for affection status in relation to any cancer. Pathogenicity categories were based on literature curation. See Pubmed ID:23861362 for details.

Medical sequencing

NM_001267550.2(TTN):c.86702G>A (p.Arg28901His)

Genes: TTN (titin; minus strand), TTN-AS1 (TTN antisense RNA 1; plus strand). Cytogenetic location: 2q31.2.
Variant type: single nucleotide variant.
Coding change: c.86702G>A on transcript NM_001267550.2 (MANE Select); coding-DNA position 86702, G replaced by A.
Protein change: p.Arg28901His; replaces arginine 28901 with histidine.
Molecular consequence: missense variant.
Genome position (GRCh38, 1-based): chr2:178,559,430, C>T on the plus strand (G>A on the coding strand, the complement: TTN is on the minus strand). VCF-style: chr2-178559430-C-T. GRCh37 (hg19) VCF-style: chr2-179424157-C-T.
Other names: c.81779G>A, p.Arg27260His (NM_001256850.1); c.59507G>A, p.Arg19836His (NM_003319.4); c.78998G>A, p.Arg26333His (NM_133378.4); c.59882G>A, p.Arg19961His (NM_133432.3); c.60083G>A, p.Arg20028His (NM_133437.4); short protein forms R26333H, R28901H, R20028H, R27260H, R19836H, R19961H.
Identifiers: ClinVar variation 191867 (VCV000191867.2), dbSNP rs550229338, ClinGen allele CA237740.